The following is an entry in ClinVar:

ClinVar aggregate classification (germline): Uncertain significance (1 of 4 stars; one submission).

Conditions:
MAP1B-related disorder. Also called: MAP1B-related condition.

gnomAD v4.1: 11 of 1,614,052 alleles (0.00068%); highest among the groups gnomAD compares: Middle Eastern, 0.033%; 1 homozygote.

Submission:

PreventionGenetics, part of Exact Sciences
Classification: Uncertain significance for MAP1B-related condition. Last evaluated: 2025-08-18. Review status: criteria provided, single submitter. Criteria: ACMG Guidelines, 2015. Collection method: clinical testing. Allele origin: germline.
Comment: The MAP1B c.5369G>A variant is predicted to result in the amino acid substitution p.Arg1790Gln. To our knowledge, this variant has not been reported in the literature. This variant is reported in 0.0058% of alleles in individuals of Latino descent in gnomAD. At this time, the clinical significance of this variant is uncertain due to the absence of conclusive functional and genetic evidence.

NM_005909.5(MAP1B):c.5369G>A (p.Arg1790Gln)

Gene: MAP1B (microtubule associated protein 1B; plus strand). Cytogenetic location: 5q13.2.
Variant type: single nucleotide variant.
Coding change: c.5369G>A on transcript NM_005909.5 (MANE Select); coding-DNA position 5369, G replaced by A.
Protein change: p.Arg1790Gln; replaces arginine 1790 with glutamine.
Molecular consequence: missense variant.
Genome position (GRCh38, 1-based): chr5:72,198,724, G>A. VCF-style: chr5-72198724-G-A. GRCh37 (hg19) VCF-style: chr5-71494551-G-A.
Other names: c.4991G>A, p.Arg1664Gln (NM_001324255.2); short protein forms R1664Q, R1790Q.
Identifiers: ClinVar variation 4986409 (VCV004986409.1).